The following is an entry in ClinVar:

NM_007194.4(CHEK2):c.1462-18T>C

Gene: CHEK2 (checkpoint kinase 2; minus strand). Cytogenetic location: 22q12.1.
Variant type: single nucleotide variant.
Coding change: c.1462-18T>C on transcript NM_007194.4 (MANE Select); 18 bases into the intron before coding-DNA position 1462, T replaced by C.
Molecular consequence: intron variant.
Genome position (GRCh38, 1-based): chr22:28,689,233, A>G on the plus strand (T>C on the coding strand, the complement: CHEK2 is on the minus strand). VCF-style: chr22-28689233-A-G. GRCh37 (hg19) VCF-style: chr22-29085221-A-G.
Other names: c.799-18T>C (NM_001437942.1, NM_001257387.3); c.1261-18T>C (NM_001349956.3); c.1375-18T>C (NM_145862.3); c.1468-18T>C (NM_001438295.1); c.1555-18T>C (NM_001438293.1); c.1504-18T>C (NM_001438294.1); c.1591-18T>C (NM_001005735.3).
Identifiers: ClinVar variation 514168 (VCV000514168.6), dbSNP rs1555912108, ClinGen allele CA658799503.

ClinVar aggregate classification (germline): Likely benign. Review status: criteria provided, multiple submitters, no conflicts (2 of 4 stars). 3 submissions from 3 submitters: Likely benign (3). Last evaluated 2024-10-08.

Conditions:
Familial cancer of breast. Also called: BREAST CANCER, FAMILIAL; hereditary breast carcinoma; Hereditary breast cancer. Identifiers: Orphanet 227535, MedGen C0346153, MONDO:0016419, OMIM 114480. Disease mechanism: loss of function.

Submissions (3):

Myriad Genetics, Inc.
Classification: Likely benign for Familial cancer of breast. Last evaluated: 2024-10-08. Review status: criteria provided, single submitter. Criteria: Myriad Autosomal Dominant, Autosomal Recessive and X-Linked Classification Criteria (2023). Collection method: clinical testing. Allele origin: unknown.
Comment: This variant is considered likely benign. This variant is intronic and is not expected to impact mRNA splicing.

Labcorp Genetics (formerly Invitae), Labcorp
Classification: Likely benign for Familial cancer of breast. Last evaluated: 2022-01-27. Review status: criteria provided, single submitter. Criteria: Invitae Variant Classification Sherloc (09022015). Collection method: clinical testing. Allele origin: germline.

GeneDx
Classification: Likely benign. Last evaluated: 2017-12-15. Review status: criteria provided, single submitter. Criteria: GeneDx Variant Classification (06012015). Collection method: clinical testing. Allele origin: germline. Affected: yes.
Comment: This variant is considered likely benign or benign based on one or more of the following criteria: it is a conservative change, it occurs at a poorly conserved position in the protein, it is predicted to be benign by multiple in silico algorithms, and/or has population frequency not consistent with disease.